The following is an entry in ClinVar:

ClinVar aggregate classification (germline): Uncertain significance. Review status: criteria provided, multiple submitters, no conflicts (2 of 4 stars). 5 submissions from 5 submitters: Uncertain significance (5). Last evaluated 2025-10-14.

Allele frequency attached by ClinVar (database versions not stated): ExAC 0.00001; gnomAD exomes 0.00001 and 0.00002; gnomAD 0.00003; TOPMed 0.00004; ESP Exome Variant Server 0.00008.
gnomAD v4.1: 25 of 1,607,840 alleles (0.0016%); highest among the groups gnomAD compares: Non-Finnish European, 0.0021%; no homozygotes.

Submissions (5):

Women's Health and Genetics/Laboratory Corporation of America, LabCorp
Classification: Uncertain significance. Last evaluated: 2025-10-14. Review status: criteria provided, single submitter. Criteria: LabCorp Variant Classification Summary - May 2015. Collection method: clinical testing. Allele origin: germline.
Comment: Variant summary: KARS1 c.1434G>C (p.Glu478Asp) results in a conservative amino acid change in the encoded protein sequence. Algorithms developed to predict the effect of missense changes on protein structure and function are either unavailable or do not agree on the potential impact of this missense change. The variant allele was found at a frequency of 1.8e-05 in 282298 control chromosomes. The available data on variant occurrences in the general population are insufficient to allow any conclusion about variant significance. To our knowledge, no occurrence of c.1434G>C in individuals affected with KARS1-related conditions and no experimental evidence demonstrating its impact on protein function have been reported. ClinVar contains an entry for this variant (Variation ID: 320632). Based on the evidence outlined above, the variant was classified as uncertain significance.

GeneDx
Classification: Uncertain significance. Last evaluated: 2024-04-28. Review status: criteria provided, single submitter. Criteria: GeneDx Variant Classification Process June 2021. Collection method: clinical testing. Allele origin: germline. Affected: yes.
Comment: Not observed at significant frequency in large population cohorts (gnomAD); In silico analysis indicates that this missense variant does not alter protein structure/function; Has not been previously published as pathogenic or benign to our knowledge

Labcorp Genetics (formerly Invitae), Labcorp
Classification: Uncertain significance. Last evaluated: 2021-12-22. Review status: criteria provided, single submitter. Criteria: Invitae Variant Classification Sherloc (09022015). Collection method: clinical testing. Allele origin: germline.
Comment: ClinVar contains an entry for this variant (Variation ID: 320632). Algorithms developed to predict the effect of missense changes on protein structure and function output the following: SIFT: "Tolerated"; PolyPhen-2: "Benign"; Align-GVGD: "Class C0". The aspartic acid amino acid residue is found in multiple mammalian species, which suggests that this missense change does not adversely affect protein function. In summary, the available evidence is currently insufficient to determine the role of this variant in disease. Therefore, it has been classified as a Variant of Uncertain Significance. This variant has not been reported in the literature in individuals affected with KARS-related conditions. This sequence change replaces glutamic acid, which is acidic and polar, with aspartic acid, which is acidic and polar, at codon 478 of the KARS protein (p.Glu478Asp). This variant is present in population databases (rs200574045, gnomAD 0.004%).

Blueprint Genetics
Classification: Uncertain significance. Last evaluated: 2021-09-23. Review status: criteria provided, single submitter. Criteria: ACMG Guidelines, 2015. Collection method: clinical testing. Allele origin: germline.

Laboratory for Molecular Medicine, Mass General Brigham Personalized Medicine
Classification: Uncertain significance. Last evaluated: 2016-09-01. Review status: criteria provided, single submitter. Criteria: LMM Criteria. Collection method: clinical testing. Allele origin: germline. Observed: 1 variant allele.
Comment: Variant classified as Uncertain Significance - Favor Benign. The p.Glu478Asp var iant in KARS has not been previously reported in individuals with hearing loss, but has been identified in 1/66554 European chromosomes by the Exome Aggregation Consortium (ExAC; dbSNP rs200574045). Although this variant has been seen in the general population, its frequency is not high enough to rule out a pathogenic role. The glutamic acid (Glu) at position 478 is not conserved through species, with 2 mammals and >10 fish having an aspartic a cid (Asp) at this position, suggesting that this change may be tolerated. Addit ional computational prediction tools suggest that the p.Glu478Asp variant may no t impact the protein. In summary, while the clinical significance of the p.Glu47 8Asp variant is uncertain, the lack of conservation suggests that it is more lik ely to be benign.

NM_005548.3(KARS1):c.1350G>C (p.Glu450Asp)

Genes: KARS1 (lysyl-tRNA synthetase 1; minus strand), LOC126862402 (CDK7 strongly-dependent group 2 enhancer GRCh37_chr16:75663368-75664567; plus strand). Cytogenetic location: 16q23.1.
Variant type: single nucleotide variant.
Coding change: c.1350G>C on transcript NM_005548.3 (MANE Select); coding-DNA position 1350, G replaced by C.
Protein change: p.Glu450Asp; replaces glutamic acid 450 with aspartic acid.
Molecular consequence: missense variant.
Genome position (GRCh38, 1-based): chr16:75,630,497, C>G on the plus strand (G>C on the coding strand, the complement: KARS1 is on the minus strand). VCF-style: chr16-75630497-C-G. GRCh37 (hg19) VCF-style: chr16-75664395-C-G.
Other names: c.1434G>C, p.Glu478Asp (NM_001130089.2); c.882G>C, p.Glu294Asp (NM_001378148.1); short protein forms E478D, E450D, E294D.
Identifiers: ClinVar variation 320632 (VCV000320632.11), dbSNP rs200574045, ClinGen allele CA8177280.
Genomic context (GRCh38, chr16:75,630,497, plus strand): 5'-GCTCATTATCTGTGGGTGATCACAGATGAATGTAGGATTGATGCAAGTCACTTCCAGGAA[C>G]TCCCCAACAAGCTTAATGAGAAAGCAAAGCAGAGTCAGTCACCATTTCTGAATAGTATTT-3'
Protein context (NP_005539.1, residues 440-460): TARLLDKLVG[Glu450Asp]FLEVTCINPT